The following is an entry in ClinVar:

ClinVar aggregate classification (germline): Uncertain significance (1 of 4 stars; one submission).

gnomAD v4.1: 94 of 1,572,026 alleles (0.006%); highest among the groups gnomAD compares: African/African-American, 0.012%; no homozygotes.

Submission:

Dasa
Classification: Uncertain significance. Last evaluated: 2025-01-10. Review status: criteria provided, single submitter. Criteria: DASA Assertion Criteria. Collection method: clinical testing. Allele origin: germline.
Comment: NM_001302554.2(ACADS):c.577C>T (p.Arg193Trp) is a missense variant that results in the substitution of arginine with tryptophan. This variant is rare in population databases. Computational prediction algorithms are consistent with a benign effect. The currently available literature and clinical evidence are not sufficient to establish a definitive association between this variant and the reported condition. Therefore, this variant is classified as a variant of uncertain significance.

NM_000017.4(ACADS):c.625-127C>T

Gene: ACADS (acyl-CoA dehydrogenase short chain; plus strand). Cytogenetic location: 12q24.31.
Variant type: single nucleotide variant.
Coding change: c.625-127C>T on transcript NM_000017.4 (MANE Select); 127 bases into the intron before coding-DNA position 625, C replaced by T.
Molecular consequence: intron variant. On other transcripts: missense variant (1).
Genome position (GRCh38, 1-based): chr12:120,738,153, C>T. VCF-style: chr12-120738153-C-T. GRCh37 (hg19) VCF-style: chr12-121175956-C-T.
Other names: c.577C>T, p.Arg193Trp (NM_001302554.2); short protein forms R193W.
Identifiers: ClinVar variation 5021017 (VCV005021017.1).
Genomic context (GRCh38, chr12:120,738,153, plus strand): 5'-CAAGTGGGCTGTCCCTGTCCCTCCTCAGCTGCCACTGAAGCCTGCACCTTCCCCAGAAGC[C>T]GGCAGAGGGTGTCAAGGCCTGAGCTTCTGAGGGAGGTGGGGAGGGGACCGGGTTGGTGTT-3'